The following is an entry in ClinVar:

ClinVar aggregate classification (germline): Benign. Review status: criteria provided, multiple submitters, no conflicts (2 of 4 stars). 5 submissions from 5 submitters: Benign (5). Last evaluated 2026-01-26.

Conditions:
Cataract 18 (CATC2). Also called: CATARACT 18, AUTOSOMAL RECESSIVE. Identifiers: Orphanet 91492, Orphanet 98991, Orphanet 98992, Orphanet 98995, MedGen C1864908, MONDO:0012395, OMIM 610019.

Allele frequency attached by ClinVar (database versions not stated): ESP Exome Variant Server 0.15216; gnomAD 0.15512 and 0.15793; 1000 Genomes Project 30x 0.15584; TOPMed 0.15897; 1000 Genomes Project 0.16134; ExAC 0.18287; gnomAD exomes 0.18302 and 0.19135.
gnomAD v4.1: 303,746 of 1,614,032 alleles (19%); highest among the groups gnomAD compares: East Asian, 30%; 30,135 homozygotes.

Submissions (5):

Labcorp Genetics (formerly Invitae), Labcorp
Classification: Benign for Cataract 18. Last evaluated: 2026-01-26. Review status: criteria provided, single submitter. Criteria: Invitae Variant Classification Sherloc (09022015). Collection method: clinical testing. Allele origin: germline.

GeneDx
Classification: Benign. Last evaluated: 2018-03-24. Review status: criteria provided, single submitter. Criteria: GeneDx Variant Classification (06012015). Collection method: clinical testing. Allele origin: germline. Affected: yes.
Comment: This variant is considered likely benign or benign based on one or more of the following criteria: it is a conservative change, it occurs at a poorly conserved position in the protein, it is predicted to be benign by multiple in silico algorithms, and/or has population frequency not consistent with disease.

Illumina Laboratory Services, Illumina
Classification: Benign for Cataract 18. Last evaluated: 2018-01-13. Review status: criteria provided, single submitter. Criteria: ICSL Variant Classification Criteria 13 December 2019. Collection method: clinical testing. Allele origin: germline.
Comment: This variant was observed in the ICSL laboratory as part of a predisposition screen in an ostensibly healthy population. It had not been previously curated by ICSL or reported in the Human Gene Mutation Database (HGMD: prior to June 1st, 2018), and was therefore a candidate for classification through an automated scoring system. Utilizing variant allele frequency, disease prevalence and penetrance estimates, and inheritance mode, an automated score was calculated to assess if this variant is too frequent to cause the disease. Based on the score and internal cut-off values, a variant classified as benign is not then subjected to further curation. The score for this variant resulted in a classification of benign for this disease.

Breakthrough Genomics
Classification: Benign. Review status: criteria provided, single submitter. Criteria: ACMG Guidelines, 2015. Collection method: not provided. Allele origin: germline. Inheritance: Autosomal recessive inheritance. Affected: yes.

PreventionGenetics, part of Exact Sciences
Classification: Benign. Review status: criteria provided, single submitter. Criteria: ACMG Guidelines, 2015. Collection method: clinical testing. Allele origin: germline.

NM_024513.4(FYCO1):c.1335G>A (p.Leu445=)

Gene: FYCO1 (FYVE and coiled-coil domain autophagy adaptor 1; minus strand). Cytogenetic location: 3p21.31.
Variant type: single nucleotide variant.
Coding change: c.1335G>A on transcript NM_024513.4 (MANE Select); coding-DNA position 1335, G replaced by A.
Protein change: p.Leu445=; no amino-acid change (leucine 445 retained).
Molecular consequence: synonymous variant.
Genome position (GRCh38, 1-based): chr3:45,967,999, C>T on the plus strand (G>A on the coding strand, the complement: FYCO1 is on the minus strand). VCF-style: chr3-45967999-C-T. GRCh37 (hg19) VCF-style: chr3-46009491-C-T.
Identifiers: ClinVar variation 261719 (VCV000261719.15), dbSNP rs3796376, ClinGen allele CA2353274.